The following is an entry in ClinVar:

NM_052844.4(DYNC2I2):c.629C>G (p.Pro210Arg)

Gene: DYNC2I2 (dynein 2 intermediate chain 2; minus strand). Cytogenetic location: 9q34.11.
Variant type: single nucleotide variant.
Coding change: c.629C>G on transcript NM_052844.4 (MANE Select); coding-DNA position 629, C replaced by G.
Protein change: p.Pro210Arg; replaces proline 210 with arginine.
Molecular consequence: missense variant.
Genome position (GRCh38, 1-based): chr9:128,636,355, G>C on the plus strand (C>G on the coding strand, the complement: DYNC2I2 is on the minus strand). VCF-style: chr9-128636355-G-C. GRCh37 (hg19) VCF-style: chr9-131398634-G-C.
Other names: c.629C>G (NM_052844.3); short protein forms P210R.
Identifiers: ClinVar variation 2151035 (VCV002151035.2), dbSNP rs780689247, ClinGen allele CA200420438.

ClinVar aggregate classification (germline): Uncertain significance. Review status: criteria provided, multiple submitters, no conflicts (2 of 4 stars). 2 submissions from 2 submitters: Uncertain significance (2). Last evaluated 2024-05-02.

Conditions:
Inborn genetic diseases. Identifiers: MedGen C0950123, MeSH D030342.
Short-rib thoracic dysplasia 11 with or without polydactyly (SRTD11). Also called: SHORT-RIB THORACIC DYSPLASIA 11 WITHOUT POLYDACTYLY. Identifiers: Orphanet 474, Orphanet 93271, MedGen C3810200, MONDO:0014287, OMIM 615633.

Submissions (2):

Ambry Genetics
Classification: Uncertain significance for Inborn genetic diseases. Last evaluated: 2024-05-02. Review status: criteria provided, single submitter. Criteria: Ambry Variant Classification Scheme 2023. Collection method: clinical testing. Allele origin: germline.

Labcorp Genetics (formerly Invitae), Labcorp
Classification: Uncertain significance for Short-rib thoracic dysplasia 11 with or without polydactyly. Last evaluated: 2022-10-17. Review status: criteria provided, single submitter. Criteria: Invitae Variant Classification Sherloc (09022015). Collection method: clinical testing. Allele origin: germline.
Comment: This sequence change replaces proline, which is neutral and non-polar, with arginine, which is basic and polar, at codon 210 of the WDR34 protein (p.Pro210Arg). This variant is present in population databases (rs780689247, gnomAD 0.002%). This variant has not been reported in the literature in individuals affected with WDR34-related conditions. Algorithms developed to predict the effect of missense changes on protein structure and function (SIFT, PolyPhen-2, Align-GVGD) all suggest that this variant is likely to be disruptive. In summary, the available evidence is currently insufficient to determine the role of this variant in disease. Therefore, it has been classified as a Variant of Uncertain Significance.